The following is an entry in ClinVar:

NM_001042545.2(LTBP4):c.2683G>A (p.Val895Met)

Gene: LTBP4 (latent transforming growth factor beta binding protein 4; plus strand). Cytogenetic location: 19q13.2.
Variant type: single nucleotide variant.
Coding change: c.2683G>A on transcript NM_001042545.2 (MANE Select); coding-DNA position 2683, G replaced by A.
Protein change: p.Val895Met; replaces valine 895 with methionine.
Molecular consequence: missense variant.
Genome position (GRCh38, 1-based): chr19:40,614,317, G>A. VCF-style: chr19-40614317-G-A. GRCh37 (hg19) VCF-style: chr19-41120223-G-A.
Other names: c.2884G>A, p.Val962Met (NM_001042544.1); c.2773G>A, p.Val925Met (NM_003573.2); short protein forms V962M, V895M, V925M.
Identifiers: ClinVar variation 1976626 (VCV001976626.3), dbSNP rs746377786, ClinGen allele CA9448776.

ClinVar aggregate classification (germline): Uncertain significance. Review status: criteria provided, multiple submitters, no conflicts (2 of 4 stars). 2 submissions from 2 submitters: Uncertain significance (2). Last evaluated 2022-06-14.

Conditions:
Inborn genetic diseases. Identifiers: MedGen C0950123, MeSH D030342.

Allele frequency attached by ClinVar (database versions not stated): ExAC 0.00001; TOPMed 0.00001.
gnomAD v4.1: 9 of 1,598,670 alleles (0.00056%); highest among the groups gnomAD compares: African/African-American, 0.0027%; no homozygotes.

Submissions (2):

Labcorp Genetics (formerly Invitae), Labcorp
Classification: Uncertain significance. Last evaluated: 2022-06-14. Review status: criteria provided, single submitter. Criteria: Invitae Variant Classification Sherloc (09022015). Collection method: clinical testing. Allele origin: germline.
Comment: This sequence change replaces valine, which is neutral and non-polar, with methionine, which is neutral and non-polar, at codon 925 of the LTBP4 protein (p.Val925Met). This variant is present in population databases (rs746377786, gnomAD 0.003%). This variant has not been reported in the literature in individuals affected with LTBP4-related conditions. Experimental studies and prediction algorithms are not available or were not evaluated, and the functional significance of this variant is currently unknown. In summary, the available evidence is currently insufficient to determine the role of this variant in disease. Therefore, it has been classified as a Variant of Uncertain Significance.

Ambry Genetics
Classification: Uncertain significance for Inborn genetic diseases. Last evaluated: 2022-01-26. Review status: criteria provided, single submitter. Criteria: Ambry Variant Classification Scheme 2023. Collection method: clinical testing. Allele origin: germline.